The following is an entry in ClinVar:

NM_001145308.5(LRTOMT):c.476T>G (p.Leu159Arg)

Genes: ANAPC15 (anaphase promoting complex subunit 15; minus strand), LRTOMT (leucine rich transmembrane and O-methyltransferase domain containing; plus strand), TOMT (transmembrane O-methyltransferase; plus strand). Cytogenetic location: 11q13.4.
Variant type: single nucleotide variant.
Coding change: c.476T>G on transcript NM_001145308.5; coding-DNA position 476, T replaced by G.
Protein change: p.Leu159Arg; replaces leucine 159 with arginine.
Molecular consequence: missense variant. On other transcripts: 3 prime UTR variant (3), non-coding transcript variant (1), intron variant (7).
Genome position (GRCh38, 1-based): chr11:72,108,040, T>G. VCF-style: chr11-72108040-T-G. GRCh37 (hg19) VCF-style: chr11-71819086-T-G.
Other names: c.377T>G, p.Leu126Arg (NM_001393500.2); c.476T>G, p.Leu159Arg (NM_001145309.4); c.356T>G, p.Leu119Arg (NM_001145310.4); c.*779A>C (NM_001393443.1, NM_001393444.1, NM_001393445.1); c.64-435A>C (NM_001393459.1); c.319-435A>C (NM_001393430.1, NM_001393429.1, NM_001393428.1 and 3 more transcripts); short protein forms L119R, L126R, L159R.
Identifiers: ClinVar variation 3601220 (VCV003601220.1).

ClinVar aggregate classification (germline): Likely pathogenic (1 of 4 stars; one submission).

Conditions:
Autosomal recessive nonsyndromic hearing loss 63. Identifiers: Orphanet 90636, MedGen C1969621, MONDO:0012670, OMIM 611451.

Submission:

Institute of Rare Diseases, West China Hospital, Sichuan University
Classification: Likely pathogenic for Autosomal recessive nonsyndromic hearing loss 63. Last evaluated: 2025-01-09. Review status: criteria provided, single submitter. Criteria: ClinGen HL ACMG Specifications v1. Collection method: research. Allele origin: germline. Affected: yes.
Comment: PM3_Strong;PM2_Supporting;PP3